The following is an entry in ClinVar:

NM_078480.3(PUF60):c.65C>T (p.Ala22Val)

Gene: PUF60 (poly(U) binding splicing factor 60; minus strand). Cytogenetic location: 8q24.3.
Variant type: single nucleotide variant.
Coding change: c.65C>T on transcript NM_078480.3 (MANE Select); coding-DNA position 65, C replaced by T.
Protein change: p.Ala22Val; replaces alanine 22 with valine.
Molecular consequence: missense variant. On other transcripts: 5 prime UTR variant (2), genic upstream transcript variant (2).
Genome position (GRCh38, 1-based): chr8:143,824,359, G>A on the plus strand (C>T on the coding strand, the complement: PUF60 is on the minus strand). VCF-style: chr8-143824359-G-A. GRCh37 (hg19) VCF-style: chr8-144906529-G-A.
Other names: c.-65C>T (NM_001136033.3, NM_001271100.2); c.62C>T, p.Ala21Val (NM_001271096.2, NM_001271098.2); c.176C>T, p.Ala59Val (NM_001362895.2, NM_001362896.2, NM_001362897.2); c.65C>T, p.Ala22Val (NM_014281.5); c.25-2446C>T (NM_001271097.2, NM_001271099.2); short protein forms A21V, A22V, A59V.
Identifiers: ClinVar variation 2658922 (VCV002658922.24), dbSNP rs1437292352, ClinGen allele CA372449336.
Genomic context (GRCh38, chr8:143,824,359, plus strand): 5'-CTTAAGGTCAGTACCTGTGGAGGTTTCCATTTGTCTCCCGCTGCCACCACTGCCGCCGCC[G>A]CCGCCGGCTCGGACCCCCCTCCTTGCTGGCCATTGACCTGCTGCAGGCAGGAAGGAGATG-3'
Protein context (NP_510965.1, residues 12-32): GQQGGGSEPA[Ala22Val]AAAVVAAGDK

ClinVar aggregate classification (germline): Uncertain significance (1 of 4 stars; one submission).

Allele frequency attached by ClinVar (database versions not stated): TOPMed 0.00001; gnomAD exomes 0.00002.
gnomAD v4.1: 29 of 1,612,556 alleles (0.0018%); highest among the groups gnomAD compares: East Asian, 0.0045%; no homozygotes.

Submission:

CeGaT Center for Human Genetics Tuebingen
Classification: Uncertain significance. Last evaluated: 2024-05-01. Review status: criteria provided, single submitter. Criteria: CeGaT Center For Human Genetics Tuebingen Variant Classification Criteria Version 2. Collection method: clinical testing. Allele origin: germline. Affected: yes. Observed: 2 variant alleles.
Comment: PUF60: PM2